The following is an entry in ClinVar:

ClinVar aggregate classification (germline): Uncertain significance (1 of 4 stars; one submission).

Allele frequency attached by ClinVar (database versions not stated): ExAC 0.00001.

Submission:

Ambry Genetics
Classification: Uncertain significance. Last evaluated: 2022-12-18. Review status: criteria provided, single submitter. Criteria: Ambry Variant Classification Scheme 2023. Collection method: clinical testing. Allele origin: germline.
Comment: The p.E62A variant (also known as c.185A>C), located in coding exon 2 of the IDH1 gene, results from an A to C substitution at nucleotide position 185. The glutamic acid at codon 62 is replaced by alanine, an amino acid with dissimilar properties. This amino acid position is conserved. In addition, the in silico prediction for this alteration is inconclusive. Since supporting evidence is limited at this time, the clinical significance of this alteration remains unclear.

NM_005896.4(IDH1):c.185A>C (p.Glu62Ala)

Gene: IDH1 (isocitrate dehydrogenase (NADP(+)) 1; minus strand). Cytogenetic location: 2q34.
Variant type: single nucleotide variant.
Coding change: c.185A>C on transcript NM_005896.4 (MANE Select); coding-DNA position 185, A replaced by C.
Protein change: p.Glu62Ala; replaces glutamic acid 62 with alanine.
Molecular consequence: missense variant.
Genome position (GRCh38, 1-based): chr2:208,248,598, T>G on the plus strand (A>C on the coding strand, the complement: IDH1 is on the minus strand). VCF-style: chr2-208248598-T-G. GRCh37 (hg19) VCF-style: chr2-209113322-T-G.
Other names: c.185A>C, p.Glu62Ala (NM_001282386.1, NM_001282387.1); short protein forms E62A.
Identifiers: ClinVar variation 2453226 (VCV002453226.2), dbSNP rs760287259, ClinGen allele CA2079074.